The following is an entry in ClinVar:

NM_001371986.1(UNC80):c.1628A>G (p.His543Arg)

Genes: UNC80 (unc-80 subunit of NALCN channel complex; plus strand), LOC122861286 (Sharpr-MPRA regulatory region 8450; plus strand). Cytogenetic location: 2q34.
Variant type: single nucleotide variant.
Coding change: c.1628A>G on transcript NM_001371986.1 (MANE Select); coding-DNA position 1628, A replaced by G.
Protein change: p.His543Arg; replaces histidine 543 with arginine.
Molecular consequence: missense variant.
Genome position (GRCh38, 1-based): chr2:209,817,887, A>G. VCF-style: chr2-209817887-A-G. GRCh37 (hg19) VCF-style: chr2-210682611-A-G.
Other names: c.1628A>G, p.His543Arg (NM_032504.2, NM_182587.4); short protein forms H543R.
Identifiers: ClinVar variation 2079927 (VCV002079927.4), dbSNP rs2079856597, ClinGen allele CA350135206.

ClinVar aggregate classification (germline): Uncertain significance (1 of 4 stars; one submission).

Allele frequency attached by ClinVar (database versions not stated): gnomAD exomes below 0.00001.
gnomAD v4.1: 2 of 1,551,542 alleles (0.00013%); highest among the groups gnomAD compares: Middle Eastern, 0.017%; no homozygotes.

Submission:

Labcorp Genetics (formerly Invitae), Labcorp
Classification: Uncertain significance. Last evaluated: 2022-08-09. Review status: criteria provided, single submitter. Criteria: Invitae Variant Classification Sherloc (09022015). Collection method: clinical testing. Allele origin: germline.
Comment: This sequence change replaces histidine, which is basic and polar, with arginine, which is basic and polar, at codon 543 of the UNC80 protein (p.His543Arg). This variant has not been reported in the literature in individuals affected with UNC80-related conditions. This variant is not present in population databases (gnomAD no frequency). Algorithms developed to predict the effect of missense changes on protein structure and function are either unavailable or do not agree on the potential impact of this missense change (SIFT: "Not Available"; PolyPhen-2: "Probably Damaging"; Align-GVGD: "Not Available"). In summary, the available evidence is currently insufficient to determine the role of this variant in disease. Therefore, it has been classified as a Variant of Uncertain Significance.